The following is an entry in ClinVar:

ClinVar aggregate classification (germline): Likely benign. Review status: criteria provided, multiple submitters, no conflicts (2 of 4 stars). 2 submissions from 2 submitters: Likely benign (2). Last evaluated 2026-04-24.

Conditions:
MYBPC3-related disorder. Also called: MYBPC3-related condition; MYBPC3-related disease; MYBPC3-related disorders.
Hypertrophic cardiomyopathy. Also called: HYPERTROPHIC MYOCARDIOPATHY. Identifiers: Orphanet 217569, MedGen C0007194, MeSH D002312, MONDO:0005045, HP:0001639.

Allele frequency attached by ClinVar (database versions not stated): gnomAD exomes 0.00002 and below 0.00001; TOPMed below 0.00001; gnomAD 0.00001; ExAC 0.00002.
gnomAD v4.1: 8 of 1,549,244 alleles (0.00052%); highest among the groups gnomAD compares: Admixed American, 0.0018%; no homozygotes.

Submissions (2):

PreventionGenetics, part of Exact Sciences
Classification: Likely benign for MYBPC3-related condition. Last evaluated: 2026-04-24. Review status: criteria provided, single submitter. Criteria: ACMG Guidelines, 2015. Collection method: clinical testing. Allele origin: germline.
Comment: This variant is classified as likely benign based on ACMG/AMP sequence variant interpretation guidelines (Richards et al. 2015 PMID: 25741868, with internal and published modifications).

Labcorp Genetics (formerly Invitae), Labcorp
Classification: Likely benign for Hypertrophic cardiomyopathy. Last evaluated: 2021-08-30. Review status: criteria provided, single submitter. Criteria: Invitae Variant Classification Sherloc (09022015). Collection method: clinical testing. Allele origin: germline.

NM_000256.3(MYBPC3):c.1224-20C>T

Gene: MYBPC3 (myosin binding protein C3; minus strand). Cytogenetic location: 11p11.2.
Variant type: single nucleotide variant.
Coding change: c.1224-20C>T on transcript NM_000256.3 (MANE Select); 20 bases into the intron before coding-DNA position 1224, C replaced by T.
Molecular consequence: intron variant.
Genome position (GRCh38, 1-based): chr11:47,343,282, G>A on the plus strand (C>T on the coding strand, the complement: MYBPC3 is on the minus strand). VCF-style: chr11-47343282-G-A. GRCh37 (hg19) VCF-style: chr11-47364833-G-A.
Identifiers: ClinVar variation 1615170 (VCV001615170.9), dbSNP rs745971530, ClinGen allele CA043378.